The following is an entry in ClinVar:

ClinVar aggregate classification (germline): Benign/Likely benign. Review status: criteria provided, multiple submitters, no conflicts (2 of 4 stars). 6 submissions from 5 submitters: Benign (3); Likely benign (2). 1 of the submissions does not count toward it. Last evaluated 2026-09-01.

Conditions:
Melanoma, uveal, susceptibility to, 2 (UVM2). Also called: Melanoma, uveal 2. Identifiers: Orphanet 39044, MedGen C1847723, MONDO:0011696, OMIM 606661.
Hereditary cancer-predisposing syndrome. Also called: Neoplastic Syndromes, Hereditary; Tumor predisposition; Hereditary Cancer Syndrome; Hereditary neoplastic syndrome. Identifiers: Orphanet 140162, MedGen C0027672, MeSH D009386, MONDO:0015356.
BAP1-related tumor predisposition syndrome (TPDS1). Also called: Tumor susceptibility linked to germline BAP1 mutations; COMMON Syndrome; BAP1 tumor predisposition syndrome; TUMOR PREDISPOSITION SYNDROME 1. Identifiers: Orphanet 289539, MedGen C3280492, MONDO:0013692, OMIM 614327.

Allele frequency attached by ClinVar (database versions not stated): ESP Exome Variant Server 0.00224; gnomAD 0.00246 and 0.00275; TOPMed 0.00269; gnomAD exomes 0.00411 and 0.00412; 1000 Genomes Project 0.00419; 1000 Genomes Project 30x 0.00437; ExAC 0.00831.
gnomAD v4.1: 6,210 of 1,571,544 alleles (0.4%); highest among the groups gnomAD compares: South Asian, 1.4%; 30 homozygotes.

Submissions (6):

CeGaT Center for Human Genetics Tuebingen
Classification: Benign. Last evaluated: 2026-09-01. Review status: criteria provided, single submitter. Criteria: CeGaT Center For Human Genetics Tuebingen Variant Classification Criteria Version 2. Collection method: clinical testing. Allele origin: germline. Affected: yes. Observed: 25 variant alleles.
Comment: BAP1: BS1, BS2

Center for Genomic Medicine, Rigshospitalet, Copenhagen University Hospital
Classification: Benign. Last evaluated: 2025-03-04. Review status: criteria provided, single submitter. Criteria: ACMG Guidelines, 2015. Collection method: clinical testing. Allele origin: germline.

KCCC/NGS Laboratory, Kuwait Cancer Control Center
Classification: Benign for BAP1-related tumor predisposition syndrome. Last evaluated: 2025-02-01. Review status: criteria provided, single submitter. Criteria: ACMG Guidelines, 2015. Collection method: clinical testing. Allele origin: germline. Affected: no.

KCCC/NGS Laboratory, Kuwait Cancer Control Center
Classification: Likely benign for Melanoma, uveal, susceptibility to, 2. Last evaluated: 2023-07-07. Review status: criteria provided, single submitter. Criteria: ACMG Guidelines, 2015. Collection method: clinical testing. Allele origin: germline. Affected: yes.

Breakthrough Genomics
Classification: Likely benign. Review status: criteria provided, single submitter. Criteria: ACMG Guidelines, 2015. Collection method: not provided. Allele origin: germline. Inheritance: Autosomal dominant inheritance. Affected: yes.

University of Washington Department of Laboratory Medicine, University of Washington
Classification: Likely benign for Hereditary cancer-predisposing syndrome. Last evaluated: 2015-12-01. Review status: no assertion criteria provided. Collection method: clinical testing. Allele origin: germline. Affected: no. Not counted in ClinVar's aggregate classification.

NM_004656.4(BAP1):c.2057-22A>C

Gene: BAP1 (BRCA1 associated deubiquitinase 1; minus strand). Cytogenetic location: 3p21.1.
Variant type: single nucleotide variant.
Coding change: c.2057-22A>C on transcript NM_004656.4 (MANE Select); 22 bases into the intron before coding-DNA position 2057, A replaced by C.
Molecular consequence: intron variant.
Genome position (GRCh38, 1-based): chr3:52,402,443, T>G on the plus strand (A>C on the coding strand, the complement: BAP1 is on the minus strand). VCF-style: chr3-52402443-T-G. GRCh37 (hg19) VCF-style: chr3-52436459-T-G.
Other names: c.2057-22A>C (NM_004656.3).
Identifiers: ClinVar variation 223507 (VCV000223507.25), dbSNP rs144083199, ClinGen allele CA235380.